The following is an entry in ClinVar:

NM_001039141.3(TRIOBP):c.5833T>C (p.Tyr1945His)

Gene: TRIOBP (TRIO and F-actin binding protein; plus strand). Cytogenetic location: 22q13.1.
Variant type: single nucleotide variant.
Coding change: c.5833T>C on transcript NM_001039141.3 (MANE Select); coding-DNA position 5833, T replaced by C.
Protein change: p.Tyr1945His; replaces tyrosine 1945 with histidine.
Molecular consequence: missense variant.
Genome position (GRCh38, 1-based): chr22:37,757,758, T>C. VCF-style: chr22-37757758-T-C. GRCh37 (hg19) VCF-style: chr22-38153765-T-C.
Other names: c.694T>C, p.Tyr232His (NM_007032.5, NM_138632.2); short protein forms Y232H, Y1945H.
Identifiers: ClinVar variation 4982260 (VCV004982260.1).

ClinVar aggregate classification (germline): Uncertain significance (1 of 4 stars; one submission).

Conditions:
TRIOBP-related disorder. Also called: TRIOBP-related condition.

gnomAD v4.1: 2 of 1,561,396 alleles (0.00013%); highest among the groups gnomAD compares: Middle Eastern, 0.017%; no homozygotes.

Submission:

PreventionGenetics, part of Exact Sciences
Classification: Uncertain significance for TRIOBP-related condition. Last evaluated: 2026-02-03. Review status: criteria provided, single submitter. Criteria: ACMG Guidelines, 2015. Collection method: clinical testing. Allele origin: germline.
Comment: The TRIOBP c.5833T>C variant is predicted to result in the amino acid substitution p.Tyr1945His. To our knowledge, this variant has not been reported in the literature or in a large population database (gnomAD), indicating this variant is rare. At this time, the clinical significance of this variant is uncertain due to the absence of conclusive functional and genetic evidence.